The following is an entry in ClinVar:

NM_000094.4(COL7A1):c.2010C>T (p.Gly670=)

Gene: COL7A1 (collagen type VII alpha 1 chain; minus strand). Cytogenetic location: 3p21.31.
Variant type: single nucleotide variant.
Coding change: c.2010C>T on transcript NM_000094.4 (MANE Select); coding-DNA position 2010, C replaced by T.
Protein change: p.Gly670=; no amino-acid change (glycine 670 retained).
Molecular consequence: synonymous variant.
Genome position (GRCh38, 1-based): chr3:48,590,253, G>A on the plus strand (C>T on the coding strand, the complement: COL7A1 is on the minus strand). VCF-style: chr3-48590253-G-A. GRCh37 (hg19) VCF-style: chr3-48627686-G-A.
Other names: p.Gly670=.
Identifiers: ClinVar variation 750542 (VCV000750542.14), dbSNP rs74861804, ClinGen allele CA2381038.

ClinVar aggregate classification (germline): Conflicting classifications of pathogenicity. Review status: criteria provided, conflicting classifications (1 of 4 stars). 4 submissions from 4 submitters: Uncertain significance (1); Likely benign (1). 2 of the submissions do not count toward it. Last evaluated 2026-01-27.

Conditions:
COL7A1-related disorder. Also called: COL7A1-related condition; COL7A1- related disorders.
Epidermolysis bullosa dystrophica. Also called: Dystrophic epidermolysis bullosa, Hallopeau-Siemens type (formerly); Dystrophic epidermolysis bullosa. Identifiers: Orphanet 303, MedGen C0079294, MONDO:0006543.

Allele frequency attached by ClinVar (database versions not stated): gnomAD exomes 0.00006 and 0.00009; ExAC 0.00014; ESP Exome Variant Server 0.00038; TOPMed 0.00056; 1000 Genomes Project 0.00060; gnomAD 0.00061 and 0.00068; 1000 Genomes Project 30x 0.00078.
gnomAD v4.1: 177 of 1,613,860 alleles (0.011%); highest among the groups gnomAD compares: African/African-American, 0.23%; 2 homozygotes.

Submissions (4):

Labcorp Genetics (formerly Invitae), Labcorp
Classification: Likely benign. Last evaluated: 2026-01-27. Review status: criteria provided, single submitter. Criteria: Invitae Variant Classification Sherloc (09022015). Collection method: clinical testing. Allele origin: germline.

Mayo Clinic Laboratories, Mayo Clinic
Classification: Uncertain significance. Last evaluated: 2025-01-15. Review status: criteria provided, single submitter. Criteria: ACMG Guidelines, 2015. Collection method: clinical testing. Allele origin: germline. Observed: 1 variant allele.
Comment: BS1

Natera, Inc.
Classification: Uncertain significance for Dystrophic epidermolysis bullosa. Last evaluated: 2020-01-24. Review status: no assertion criteria provided. Collection method: clinical testing. Allele origin: germline. Not counted in ClinVar's aggregate classification.

PreventionGenetics, part of Exact Sciences
Classification: Likely benign for COL7A1-related condition. Last evaluated: 2019-04-25. Review status: no assertion criteria provided. Collection method: clinical testing. Allele origin: germline. Not counted in ClinVar's aggregate classification.
Comment: This variant is classified as likely benign based on ACMG/AMP sequence variant interpretation guidelines (Richards et al. 2015 PMID: 25741868, with internal and published modifications).